The following is an entry in ClinVar:

NM_014855.3(AP5Z1):c.760G>T (p.Gly254Cys)

Gene: AP5Z1 (adaptor related protein complex 5 subunit zeta 1; plus strand). Cytogenetic location: 7p22.1.
Variant type: single nucleotide variant.
Coding change: c.760G>T on transcript NM_014855.3 (MANE Select); coding-DNA position 760, G replaced by T.
Protein change: p.Gly254Cys; replaces glycine 254 with cysteine.
Molecular consequence: missense variant. On other transcripts: non-coding transcript variant (1).
Genome position (GRCh38, 1-based): chr7:4,784,341, G>T. VCF-style: chr7-4784341-G-T. GRCh37 (hg19) VCF-style: chr7-4823972-G-T.
Other names: c.292G>T, p.Gly98Cys (NM_001364858.1); short protein forms G254C, G98C.
Identifiers: ClinVar variation 1025615 (VCV001025615.6), dbSNP rs772318205, ClinGen allele CA4137348.

ClinVar aggregate classification (germline): Uncertain significance (1 of 4 stars; one submission).

Conditions:
Hereditary spastic paraplegia 48. Also called: SPASTIC PARAPLEGIA 48, AUTOSOMAL RECESSIVE; Spastic paraplegia 48. Identifiers: Orphanet 306511, MedGen C3150901, MONDO:0013342, OMIM 613647.

gnomAD v4.1: 2 of 1,597,842 alleles (0.00013%); highest among the groups gnomAD compares: Admixed American, 0.0017%; no homozygotes.

Submission:

Labcorp Genetics (formerly Invitae), Labcorp
Classification: Uncertain significance for Hereditary spastic paraplegia 48. Last evaluated: 2021-08-31. Review status: criteria provided, single submitter. Criteria: Invitae Variant Classification Sherloc (09022015). Collection method: clinical testing. Allele origin: germline.
Comment: This sequence change replaces glycine with cysteine at codon 254 of the AP5Z1 protein (p.Gly254Cys). The glycine residue is highly conserved and there is a large physicochemical difference between glycine and cysteine. This variant is present in population databases (rs772318205, ExAC 0.03%). This variant has not been reported in the literature in individuals affected with AP5Z1-related conditions. Algorithms developed to predict the effect of missense changes on protein structure and function are either unavailable or do not agree on the potential impact of this missense change (SIFT: "Tolerated"; PolyPhen-2: "Probably Damaging"; Align-GVGD: "Class C15"). In summary, the available evidence is currently insufficient to determine the role of this variant in disease. Therefore, it has been classified as a Variant of Uncertain Significance.